The following is an entry in ClinVar:

ClinVar aggregate classification (germline): Uncertain significance. Review status: criteria provided, multiple submitters, no conflicts (2 of 4 stars). 2 submissions from 2 submitters: Uncertain significance (2). Last evaluated 2022-04-19.

Submissions (2):

GeneDx
Classification: Uncertain significance. Last evaluated: 2022-04-19. Review status: criteria provided, single submitter. Criteria: GeneDx Variant Classification Process June 2021. Collection method: clinical testing. Allele origin: germline. Affected: yes.
Comment: Not observed at significant frequency in large population cohorts (gnomAD); In silico analysis supports that this missense variant has a deleterious effect on protein structure/function; Has not been previously published as pathogenic or benign to our knowledge

Labcorp Genetics (formerly Invitae), Labcorp
Classification: Uncertain significance. Last evaluated: 2022-03-27. Review status: criteria provided, single submitter. Criteria: Invitae Variant Classification Sherloc (09022015). Collection method: clinical testing. Allele origin: germline.
Comment: In summary, the available evidence is currently insufficient to determine the role of this variant in disease. Therefore, it has been classified as a Variant of Uncertain Significance. Algorithms developed to predict the effect of missense changes on protein structure and function are either unavailable or do not agree on the potential impact of this missense change (SIFT: "Not Available"; PolyPhen-2: "Probably Damaging"; Align-GVGD: "Not Available"). This variant has not been reported in the literature in individuals affected with USH1G-related conditions. This variant is not present in population databases (gnomAD no frequency). This sequence change replaces aspartic acid, which is acidic and polar, with histidine, which is basic and polar, at codon 300 of the USH1G protein (p.Asp300His).

NM_173477.5(USH1G):c.898G>C (p.Asp300His)

Gene: USH1G (USH1 protein network component sans; minus strand). Cytogenetic location: 17q25.1.
Variant type: single nucleotide variant.
Coding change: c.898G>C on transcript NM_173477.5 (MANE Select); coding-DNA position 898, G replaced by C.
Protein change: p.Asp300His; replaces aspartic acid 300 with histidine.
Molecular consequence: missense variant.
Genome position (GRCh38, 1-based): chr17:74,919,938, C>G on the plus strand (G>C on the coding strand, the complement: USH1G is on the minus strand). VCF-style: chr17-74919938-C-G. GRCh37 (hg19) VCF-style: chr17-72916033-C-G.
Other names: c.589G>C, p.Asp197His (NM_001282489.3); short protein forms D197H, D300H.
Identifiers: ClinVar variation 1712133 (VCV001712133.6), dbSNP rs2544429278, ClinGen allele CA400962664.